The following is an entry in ClinVar:

NM_001384910.1(GUCA1A):c.559G>C (p.Glu187Gln)

Genes: GUCA1A (guanylate cyclase activator 1A; plus strand), GUCA1ANB-GUCA1A (GUCA1ANB-GUCA1A readthrough; plus strand). Cytogenetic location: 6p21.1.
Variant type: single nucleotide variant.
Coding change: c.559G>C on transcript NM_001384910.1 (MANE Select); coding-DNA position 559, G replaced by C.
Protein change: p.Glu187Gln; replaces glutamic acid 187 with glutamine.
Molecular consequence: missense variant.
Genome position (GRCh38, 1-based): chr6:42,179,356, G>C. VCF-style: chr6-42179356-G-C. GRCh37 (hg19) VCF-style: chr6-42147094-G-C.
Other names: c.559G>C, p.Glu187Gln (NM_000409.5, NM_001319061.2, NM_001319062.2); short protein forms E187Q.
Identifiers: ClinVar variation 4737140 (VCV004737140.1).

ClinVar aggregate classification (germline): Uncertain significance (1 of 4 stars; one submission).

gnomAD v4.1: 2 of 1,612,198 alleles (0.00012%); highest among the groups gnomAD compares: Non-Finnish European, 0.00017%; no homozygotes.

Submission:

Labcorp Genetics (formerly Invitae), Labcorp
Classification: Uncertain significance. Last evaluated: 2025-07-22. Review status: criteria provided, single submitter. Criteria: Invitae Variant Classification Sherloc (09022015). Collection method: clinical testing. Allele origin: germline.
Comment: This sequence change replaces glutamic acid, which is acidic and polar, with glutamine, which is neutral and polar, at codon 187 of the GUCA1A protein (p.Glu187Gln). This variant is not present in population databases (gnomAD no frequency). This variant has not been reported in the literature in individuals affected with GUCA1A-related conditions. Experimental studies and prediction algorithms are not available or were not evaluated, and the functional significance of this variant is currently unknown. In summary, the available evidence is currently insufficient to determine the role of this variant in disease. Therefore, it has been classified as a Variant of Uncertain Significance.